The following is an entry in ClinVar:

NM_005584.5(MAB21L1):c.516G>A (p.Pro172=)

Genes: MAB21L1 (mab-21 like 1; minus strand), NBEA (neurobeachin; plus strand). Cytogenetic location: 13q13.3.
Variant type: single nucleotide variant.
Coding change: c.516G>A on transcript NM_005584.5 (MANE Select); coding-DNA position 516, G replaced by A.
Protein change: p.Pro172=; no amino-acid change (proline 172 retained).
Molecular consequence: synonymous variant. On other transcripts: intron variant (3).
Genome position (GRCh38, 1-based): chr13:35,475,623, C>T on the plus strand (G>A on the coding strand, the complement: MAB21L1 is on the minus strand). VCF-style: chr13-35475623-C-T. GRCh37 (hg19) VCF-style: chr13-36049760-C-T.
Other names: c.6585+3087C>T (NM_001385012.1, NM_015678.5); c.6576+3087C>T (NM_001379245.1).
Identifiers: ClinVar variation 5039119 (VCV005039119.1).

ClinVar aggregate classification (germline): Likely benign (1 of 4 stars; one submission).

gnomAD v4.1: 20 of 1,613,646 alleles (0.0012%); highest among the groups gnomAD compares: Admixed American, 0.018%; no homozygotes.

Submission:

CeGaT Center for Human Genetics Tuebingen
Classification: Likely benign. Last evaluated: 2026-08-01. Review status: criteria provided, single submitter. Criteria: CeGaT Center For Human Genetics Tuebingen Variant Classification Criteria Version 2. Collection method: clinical testing. Allele origin: germline. Affected: yes. Observed: 1 variant allele.
Comment: MAB21L1: BP4, BP7